The following is an entry in ClinVar:

NM_003476.5(CSRP3):c.150G>A (p.Ala50=)

Gene: CSRP3 (cysteine and glycine rich protein 3; minus strand). Cytogenetic location: 11p15.1.
Variant type: single nucleotide variant.
Coding change: c.150G>A on transcript NM_003476.5 (MANE Select); coding-DNA position 150, G replaced by A.
Protein change: p.Ala50=; no amino-acid change (alanine 50 retained).
Molecular consequence: synonymous variant. On other transcripts: intron variant (1).
Genome position (GRCh38, 1-based): chr11:19,188,267, C>T on the plus strand (G>A on the coding strand, the complement: CSRP3 is on the minus strand). VCF-style: chr11-19188267-C-T. GRCh37 (hg19) VCF-style: chr11-19209814-C-T.
Other names: p.A50A:GCG>GCA; p.Ala50=; c.113-1919G>A (NM_001369404.1).
Identifiers: ClinVar variation 44688 (VCV000044688.34), dbSNP rs7124801, ClinGen allele CA134875.

ClinVar aggregate classification (germline): Benign/Likely benign. Review status: criteria provided, multiple submitters, no conflicts (2 of 4 stars). 13 submissions from 13 submitters: Benign (8); Likely benign (1). 4 of the submissions do not count toward it. Last evaluated 2026-02-04.

Conditions:
Hypertrophic cardiomyopathy 12. Identifiers: MedGen C2677491, MONDO:0012804, OMIM 612124.
Dilated cardiomyopathy 1M (CMD1M). Identifiers: Orphanet 154, MedGen C1843808, MONDO:0011840, OMIM 607482.
Cardiovascular phenotype. Identifiers: MedGen CN230736.

Allele frequency attached by ClinVar (database versions not stated): TOPMed 0.03409; gnomAD exomes 0.00291 and 0.00777; 1000 Genomes Project 0.03195; ESP Exome Variant Server 0.03474; ExAC 0.01004; gnomAD 0.03207 and 0.02986; 1000 Genomes Project 30x 0.03342.
gnomAD v4.1: 8,936 of 1,612,710 alleles (0.55%); highest among the groups gnomAD compares: African/African-American, 11%; 436 homozygotes.

Submissions (13):

Labcorp Genetics (formerly Invitae), Labcorp
Classification: Benign for Hypertrophic cardiomyopathy 12; Dilated cardiomyopathy 1M. Last evaluated: 2026-02-04. Review status: criteria provided, single submitter. Criteria: Invitae Variant Classification Sherloc (09022015). Collection method: clinical testing. Allele origin: germline.

Molecular Diagnostic Laboratory for Inherited Cardiovascular Disease, Montreal Heart Institute
Classification: Benign. Last evaluated: 2025-04-08. Review status: criteria provided, single submitter. Criteria: ACMG Guidelines, 2015. Collection method: clinical testing. Allele origin: germline. Affected: no.

Illumina Laboratory Services, Illumina
Classification: Benign for Hypertrophic cardiomyopathy 12. Last evaluated: 2018-01-12. Review status: criteria provided, single submitter. Criteria: ICSL Variant Classification Criteria 13 December 2019. Collection method: clinical testing. Allele origin: germline.
Comment: This variant was observed in the ICSL laboratory as part of a predisposition screen in an ostensibly healthy population. It had not been previously curated by ICSL or reported in the Human Gene Mutation Database (HGMD: prior to June 1st, 2018), and was therefore a candidate for classification through an automated scoring system. Utilizing variant allele frequency, disease prevalence and penetrance estimates, and inheritance mode, an automated score was calculated to assess if this variant is too frequent to cause the disease. Based on the score and internal cut-off values, a variant classified as benign is not then subjected to further curation. The score for this variant resulted in a classification of benign for this disease.

Mayo Clinic Laboratories, Mayo Clinic
Classification: Benign. Last evaluated: 2016-01-18. Review status: criteria provided, single submitter. Criteria: ACMG Guidelines, 2015. Collection method: clinical testing. Allele origin: germline. Observed: 45 variant alleles.

Ambry Genetics
Classification: Benign for Cardiovascular phenotype. Last evaluated: 2015-07-02. Review status: criteria provided, single submitter. Criteria: Ambry Variant Classification Scheme 2023. Collection method: clinical testing. Allele origin: germline.

GeneDx
Classification: Benign. Last evaluated: 2012-12-06. Review status: criteria provided, single submitter. Criteria: GeneDx Variant Classification (06012015). Collection method: clinical testing. Allele origin: germline. Affected: yes.
Comment: This variant is considered likely benign or benign based on one or more of the following criteria: it is a conservative change, it occurs at a poorly conserved position in the protein, it is predicted to be benign by multiple in silico algorithms, and/or has population frequency not consistent with disease.

Laboratory for Molecular Medicine, Mass General Brigham Personalized Medicine
Classification: Benign. Last evaluated: 2008-12-04. Review status: criteria provided, single submitter. Criteria: LMM Criteria. Collection method: clinical testing. Allele origin: germline. Observed: 88 variant alleles.

Breakthrough Genomics
Classification: Likely benign. Review status: criteria provided, single submitter. Criteria: ACMG Guidelines, 2015. Collection method: not provided. Allele origin: germline. Inheritance: Autosomal dominant inheritance. Affected: yes.

PreventionGenetics, part of Exact Sciences
Classification: Benign. Review status: criteria provided, single submitter. Criteria: ACMG Guidelines, 2015. Collection method: clinical testing. Allele origin: germline.

Clinical Genetics DNA and cytogenetics Diagnostics Lab, Erasmus MC, Erasmus Medical Center
Classification: Benign. Review status: no assertion criteria provided. Collection method: clinical testing. Allele origin: germline. Affected: yes. Study: VKGL Data-share Consensus. Not counted in ClinVar's aggregate classification.

Clinical Genetics, Academic Medical Center
Classification: Benign. Review status: no assertion criteria provided. Collection method: clinical testing. Allele origin: germline. Affected: yes. Study: VKGL Data-share Consensus. Not counted in ClinVar's aggregate classification.

Genome Diagnostics Laboratory, University Medical Center Utrecht
Classification: Benign. Review status: no assertion criteria provided. Collection method: clinical testing. Allele origin: germline. Affected: yes. Study: VKGL Data-share Consensus. Not counted in ClinVar's aggregate classification.

Joint Genome Diagnostic Labs from Nijmegen and Maastricht, Radboudumc and MUMC+
Classification: Benign. Review status: no assertion criteria provided. Collection method: clinical testing. Allele origin: germline. Affected: yes. Study: VKGL Data-share Consensus. Not counted in ClinVar's aggregate classification.